The following is an entry in ClinVar:

NM_001366521.1(ATP2B1):c.3453G>C (p.Arg1151Ser)

Gene: ATP2B1 (ATPase plasma membrane Ca2+ transporting 1; minus strand). Cytogenetic location: 12q21.33.
Variant type: single nucleotide variant.
Coding change: c.3453G>C on transcript NM_001366521.1 (MANE Select); coding-DNA position 3453, G replaced by C.
Protein change: p.Arg1151Ser; replaces arginine 1151 with serine.
Molecular consequence: missense variant. On other transcripts: 3 prime UTR variant (9).
Genome position (GRCh38, 1-based): chr12:89,591,194, C>G on the plus strand (G>C on the coding strand, the complement: ATP2B1 is on the minus strand). VCF-style: chr12-89591194-C-G. GRCh37 (hg19) VCF-style: chr12-89984971-C-G.
Other names: c.*76G>C (NM_001001323.2, NM_001366523.1, NM_001366528.1 and 2 more transcripts); c.3453G>C, p.Arg1151Ser (NM_001366520.1, NM_001366522.1, NM_001413046.1 and 2 more transcripts); c.3540G>C, p.Arg1180Ser (NM_001366524.1, NM_001366525.1); c.*89G>C (NM_001366526.1, NM_001366527.1, NM_001366529.1 and 1 more transcripts); c.3414G>C, p.Arg1138Ser (NM_001413048.1); c.3345G>C, p.Arg1115Ser (NM_001413049.1, NM_001413050.1); c.3312G>C, p.Arg1104Ser (NM_001413051.1, NM_001413052.1); c.3255G>C, p.Arg1085Ser (NM_001413053.1); and 5 more; short protein forms R1000S, R1138S, R964S, R1066S, R1068S, R1070S, R1085S, R1104S.
Identifiers: ClinVar variation 2095912 (VCV002095912.4), dbSNP rs2540635773, ClinGen allele CA385997890.
Genomic context (GRCh38, chr12:89,591,194, plus strand): 5'-AGCATCATCTTCGGCATCAGTGTCATCAATAAGGGGGATATGAGGCTCTGAATCTTCTAT[C>G]CTAAACTCAGGATGTGTCATAAAGTTGTGAATCGAACTTCTTGATTCCGGTTTTTCTAAC-3'
Protein context (NP_001353450.1, residues 1141-1161): IHNFMTHPEF[Arg1151Ser]IEDSEPHIPL

ClinVar aggregate classification (germline): Uncertain significance (1 of 4 stars; one submission).

Submission:

Labcorp Genetics (formerly Invitae), Labcorp
Classification: Uncertain significance. Last evaluated: 2022-08-16. Review status: criteria provided, single submitter. Criteria: Invitae Variant Classification Sherloc (09022015). Collection method: clinical testing. Allele origin: germline.
Comment: In summary, the available evidence is currently insufficient to determine the role of this variant in disease. Therefore, it has been classified as a Variant of Uncertain Significance. Algorithms developed to predict the effect of missense changes on protein structure and function are either unavailable or do not agree on the potential impact of this missense change (SIFT: "Tolerated"; PolyPhen-2: "Probably Damaging"; Align-GVGD: "Class C0"). This variant has not been reported in the literature in individuals affected with ATP2B1-related conditions. This variant is not present in population databases (gnomAD no frequency). This sequence change replaces arginine, which is basic and polar, with serine, which is neutral and polar, at codon 1151 of the ATP2B1 protein (p.Arg1151Ser).